The following is an entry in ClinVar:

NM_000143.4(FH):c.1522G>C (p.Gly508Arg)

Gene: FH (fumarate hydratase; minus strand). Cytogenetic location: 1q43.
Variant type: single nucleotide variant.
Coding change: c.1522G>C on transcript NM_000143.4 (MANE Select); coding-DNA position 1522, G replaced by C.
Protein change: p.Gly508Arg; replaces glycine 508 with arginine.
Molecular consequence: missense variant.
Genome position (GRCh38, 1-based): chr1:241,497,839, C>G on the plus strand (G>C on the coding strand, the complement: FH is on the minus strand). VCF-style: chr1-241497839-C-G. GRCh37 (hg19) VCF-style: chr1-241661139-C-G.
Other names: short protein forms G508R.
Identifiers: ClinVar variation 947513 (VCV000947513.11), dbSNP rs1659661545, ClinGen allele CA345449994.
Genomic context (GRCh38, chr1:241,497,839, plus strand): 5'-GTTTTTTTAAATTTTATACATGTTTATTTTCATTATAAATTTATGTAAATCACTTTGGAC[C>G]CAGCATGTCCTTAGGTTTTACCCATTCGTCAAACTGCTCTGCTGTGAGATAGCCAAGTTC-3'
Protein context (NP_000134.2, residues 498-510): DEWVKPKDML[Gly508Arg]PK

ClinVar aggregate classification (germline): Uncertain significance. Review status: criteria provided, multiple submitters, no conflicts (2 of 4 stars). 2 submissions from 2 submitters: Uncertain significance (2). Last evaluated 2025-05-31.

Conditions:
Hereditary cancer-predisposing syndrome. Also called: Hereditary neoplastic syndrome; Neoplastic Syndromes, Hereditary; Tumor predisposition; Hereditary Cancer Syndrome. Identifiers: Orphanet 140162, MedGen C0027672, MeSH D009386, MONDO:0015356.

Allele frequency attached by ClinVar (database versions not stated): gnomAD exomes below 0.00001.
gnomAD v4.1: 6 of 1,607,444 alleles (0.00037%); highest among the groups gnomAD compares: Non-Finnish European, 0.00051%; no homozygotes.

Submissions (2):

Ambry Genetics
Classification: Uncertain significance for Hereditary cancer-predisposing syndrome. Last evaluated: 2025-05-31. Review status: criteria provided, single submitter. Criteria: Ambry Variant Classification Scheme 2023. Collection method: clinical testing. Allele origin: germline.
Comment: The p.G508R variant (also known as c.1522G>C), located in coding exon 10 of the FH gene, results from a G to C substitution at nucleotide position 1522. The glycine at codon 508 is replaced by arginine, an amino acid with dissimilar properties. This amino acid position is conserved. In addition, this alteration is predicted to be deleterious by in silico analysis. Based on the available evidence, the clinical significance of this variant remains unclear.

Labcorp Genetics (formerly Invitae), Labcorp
Classification: Uncertain significance. Last evaluated: 2025-02-07. Review status: criteria provided, single submitter. Criteria: Invitae Variant Classification Sherloc (09022015). Collection method: clinical testing. Allele origin: germline.
Comment: This sequence change replaces glycine, which is neutral and non-polar, with arginine, which is basic and polar, at codon 508 of the FH protein (p.Gly508Arg). This variant is not present in population databases (gnomAD no frequency). This variant has not been reported in the literature in individuals affected with FH-related conditions. ClinVar contains an entry for this variant (Variation ID: 947513). Invitae Evidence Modeling of protein sequence and biophysical properties (such as structural, functional, and spatial information, amino acid conservation, physicochemical variation, residue mobility, and thermodynamic stability) has been performed for this missense variant. However, the output from this modeling did not meet the statistical confidence thresholds required to predict the impact of this variant on FH protein function. In summary, the available evidence is currently insufficient to determine the role of this variant in disease. Therefore, it has been classified as a Variant of Uncertain Significance.